The following is an entry in ClinVar:

ClinVar aggregate classification (germline): Benign/Likely benign. Review status: criteria provided, multiple submitters, no conflicts (2 of 4 stars). 5 submissions from 5 submitters: Benign (1); Likely benign (4). Last evaluated 2026-07-09.

Conditions:
Rhabdoid tumor predisposition syndrome 2 (RTPS2). Identifiers: Orphanet 231108, Orphanet 69077, MedGen C2750074, MONDO:0013224, OMIM 613325.
Hereditary cancer-predisposing syndrome. Also called: Tumor predisposition; Neoplastic Syndromes, Hereditary; Hereditary Cancer Syndrome; Hereditary neoplastic syndrome. Identifiers: Orphanet 140162, MedGen C0027672, MeSH D009386, MONDO:0015356.

Allele frequency attached by ClinVar (database versions not stated): ExAC 0.00005; gnomAD exomes 0.00003 and 0.00001; TOPMed 0.00003; gnomAD 0.00006 and 0.00007; 1000 Genomes Project 0.00020; 1000 Genomes Project 30x 0.00016.
gnomAD v4.1: 24 of 1,612,610 alleles (0.0015%); highest among the groups gnomAD compares: East Asian, 0.018%; no homozygotes.

Submissions (5):

Myriad Genetics, Inc.
Classification: Benign for Rhabdoid tumor predisposition syndrome 2. Last evaluated: 2026-07-09. Review status: criteria provided, single submitter. Criteria: Myriad Autosomal Dominant, Autosomal Recessive and X-Linked Classification Criteria (2023). Collection method: clinical testing. Allele origin: unknown.
Comment: This variant is considered benign. This variant is a silent/synonymous amino acid change and it is not expected to impact splicing.

Labcorp Genetics (formerly Invitae), Labcorp
Classification: Likely benign for Rhabdoid tumor predisposition syndrome 2. Last evaluated: 2025-11-20. Review status: criteria provided, single submitter. Criteria: Invitae Variant Classification Sherloc (09022015). Collection method: clinical testing. Allele origin: germline.

Genetic Services Laboratory, University of Chicago
Classification: Likely benign. Last evaluated: 2019-05-15. Review status: criteria provided, single submitter. Criteria: ACMG Guidelines, 2015. Collection method: clinical testing. Allele origin: germline. Affected: no.

GeneDx
Classification: Likely benign. Last evaluated: 2017-07-18. Review status: criteria provided, single submitter. Criteria: GeneDx Variant Classification (06012015). Collection method: clinical testing. Allele origin: germline. Affected: yes.
Comment: This variant is considered likely benign or benign based on one or more of the following criteria: it is a conservative change, it occurs at a poorly conserved position in the protein, it is predicted to be benign by multiple in silico algorithms, and/or has population frequency not consistent with disease.

Ambry Genetics
Classification: Likely benign for Hereditary cancer-predisposing syndrome. Last evaluated: 2016-01-10. Review status: criteria provided, single submitter. Criteria: Ambry Variant Classification Scheme 2023. Collection method: clinical testing. Allele origin: germline.

NM_003072.5(SMARCA4):c.888G>A (p.Thr296=)

Gene: SMARCA4 (SWI/SNF related BAF chromatin remodeling complex subunit ATPase 4; plus strand). Cytogenetic location: 19p13.2.
Variant type: single nucleotide variant.
Coding change: c.888G>A on transcript NM_003072.5 (MANE Select); coding-DNA position 888, G replaced by A.
Protein change: p.Thr296=; no amino-acid change (threonine 296 retained).
Molecular consequence: synonymous variant. On other transcripts: non-coding transcript variant (1).
Genome position (GRCh38, 1-based): chr19:10,987,694, G>A. VCF-style: chr19-10987694-G-A. GRCh37 (hg19) VCF-style: chr19-11098370-G-A.
Other names: c.888G>A, p.Thr296= (NM_001128844.3, NM_001128845.2, NM_001128846.2 and 5 more transcripts).
Identifiers: ClinVar variation 480554 (VCV000480554.20), dbSNP rs545237924, ClinGen allele CA9203620.
Genomic context (GRCh38, chr19:10,987,694, plus strand): 5'-ACATGACGCCCTGGCCCCTTGCCTTCTCCCAGGACCCATGGCGAATGCTGCTGCCCCCAC[G>A]AGCACCCCTCAGAAGCTGATTCCCCCGCAGCCAACGGGCCGCCCTTCCCCCGCGCCCCCT-3'
Protein context (NP_003063.2, residues 286-306): EGPMANAAAP[Thr296=]STPQKLIPPQ